The following is an entry in ClinVar:

NM_000051.4(ATM):c.6348-2A>C

Genes: ATM (ATM serine/threonine kinase; plus strand), C11orf65 (chromosome 11 open reading frame 65; minus strand). Cytogenetic location: 11q22.3.
Variant type: single nucleotide variant.
Coding change: c.6348-2A>C on transcript NM_000051.4 (MANE Select); the canonical splice acceptor site of the intron before coding-DNA position 6348, A replaced by C.
Molecular consequence: splice acceptor variant. On other transcripts: intron variant (2).
Genome position (GRCh38, 1-based): chr11:108,319,952, A>C. VCF-style: chr11-108319952-A-C. GRCh37 (hg19) VCF-style: chr11-108190679-A-C.
Other names: c.6348-2A>C (NM_001351834.2); c.641-10881T>G (NM_001330368.2); c.*39-10881T>G (NM_001351110.2).
Identifiers: ClinVar variation 1752978 (VCV001752978.2), dbSNP rs864622367, ClinGen allele CA382553110.

ClinVar aggregate classification (germline): Likely pathogenic (1 of 4 stars; one submission).

Conditions:
Hereditary cancer-predisposing syndrome. Also called: Hereditary neoplastic syndrome; Neoplastic Syndromes, Hereditary; Tumor predisposition; Hereditary Cancer Syndrome. Identifiers: Orphanet 140162, MedGen C0027672, MeSH D009386, MONDO:0015356.

Submission:

Ambry Genetics
Classification: Likely pathogenic for Hereditary cancer-predisposing syndrome. Last evaluated: 2022-08-20. Review status: criteria provided, single submitter. Criteria: Ambry Variant Classification Scheme 2023. Collection method: clinical testing. Allele origin: germline.
Comment: The c.6348-2A>C intronic variant results from an A to C substitution two nucleotides upstream from coding exon 43 in the ATM gene. In silico splice site analysis predicts that this alteration will weaken the native splice acceptor site and may result in the creation or strengthening of a novel splice acceptor site. RNA studies have demonstrated that this alteration results in abnormal splicing in the set of samples tested (Ambry internal data). This nucleotide position is highly conserved in available vertebrate species. Based on the majority of available evidence to date, this variant is likely to be pathogenic.